The following is an entry in ClinVar:

NM_001002755.4(NFU1):c.62+89G>A

Gene: NFU1 (NFU1 iron-sulfur cluster scaffold; minus strand). Cytogenetic location: 2p13.3.
Variant type: single nucleotide variant.
Coding change: c.62+89G>A on transcript NM_001002755.4 (MANE Select); 89 bases into the intron after coding-DNA position 62, G replaced by A.
Molecular consequence: intron variant. On other transcripts: 5 prime UTR variant (2).
Genome position (GRCh38, 1-based): chr2:69,437,272, C>T on the plus strand (G>A on the coding strand, the complement: NFU1 is on the minus strand). VCF-style: chr2-69437272-C-T. GRCh37 (hg19) VCF-style: chr2-69664404-C-T.
Other names: c.-227G>A (NM_001002756.2); c.-12G>A (NM_015700.4); c.-11+781G>A (NM_001374284.1).
Identifiers: ClinVar variation 3356228 (VCV003356228.4).
Genomic context (GRCh38, chr2:69,437,272, plus strand): 5'-CTCACCCCCAACTACGGCGACAGGGCGGACCCGCCGGCTCCATCAGATGCACTACCCACC[C>T]GCCTCGAGAGAGGGTCTGCAAGGCGGCGACCGCTCCGCTGGCTAAGCCCAGCGGCACACC-3'

ClinVar aggregate classification (germline): Conflicting classifications of pathogenicity. Review status: criteria provided, conflicting classifications (1 of 4 stars). 3 submissions from 3 submitters: Pathogenic (1); Likely pathogenic (1); Uncertain significance (1). Last evaluated 2025-10-01.

Conditions:
Spastic paraplegia 93, autosomal recessive. Identifiers: MedGen C5975375, MONDO:0975796, OMIM 620938.
Multiple mitochondrial dysfunctions syndrome 1 (MMDS1). Identifiers: Orphanet 401869, MedGen C3276432, MONDO:0011582, OMIM 605711.
NFU1-related disorder. Also called: NFU1-related condition.

gnomAD v4.1: 36 of 1,532,214 alleles (0.0023%); highest among the groups gnomAD compares: Middle Eastern, 0.034%; no homozygotes.

Submissions (3):

Hadassah Hebrew University Medical Center
Classification: Likely pathogenic for Spastic paraplegia 93, autosomal recessive. Last evaluated: 2025-10-01. Review status: criteria provided, single submitter. Criteria: ACMG Guidelines, 2015. Collection method: clinical testing. Allele origin: germline. Affected: yes.
Comment: This rare deep intronic variant is located in intron 1 (NM_001002755.4) of NFU1. Computational prediction tools suggest it has a deleterious effect on mRNA splicing. RNA studies on this variant demonstrated partial inclusion of intron 1 in approximately 87% of the reads. This inclusion results in the addition of 90 nucleotides to exon 1, introducing a premature termination codon.

PreventionGenetics, part of Exact Sciences
Classification: Uncertain significance for NFU1-related condition. Last evaluated: 2025-09-18. Review status: criteria provided, single submitter. Criteria: ACMG Guidelines, 2015. Collection method: clinical testing. Allele origin: germline.
Comment: The NFU1 c.62+89G>A variant is predicted to interfere with splicing. This variant has been reported in the compound heterozygous state in individuals with NFU1-related disorders (Benkirane et al. 2021. PubMed ID: 34234304; Stark et al. 2025. PubMed ID: 40597352). This variant is predicted to alter splicing based on available splicing prediction programs (SpliceAI, Jaganathan et al. 2019. PubMed ID: 30661751). However, the use of computer prediction programs is not equivalent to functional evidence. This variant is reported in 0.12% of alleles in individuals of Latino descent in gnomAD. Although we suspect that this variant may be pathogenic, the clinical significance of this variant is uncertain at this time due to the absence of conclusive genetic and functional evidence.

Institute of Human Genetics, University of Leipzig Medical Center
Classification: Pathogenic for Multiple mitochondrial dysfunctions syndrome 1. Last evaluated: 2025-04-24. Review status: criteria provided, single submitter. Criteria: ACMG Guidelines, 2015. Collection method: clinical testing. Allele origin: inherited. Inheritance: Autosomal recessive inheritance. Affected: yes.
Comment: Criteria applied: PVS1_VSTR(RNA),PM2,PM3,PP3; RNA analysis showed an extension of exon 1 and reduced coverage of exon 3 which is consistent with other isoforms. Same effect was described in a recent publication PMID: 40597352.

Literature cited by the submitters: PubMed 40597352 (cited by Institute of Human Genetics, University of Leipzig Medical Center).